The following is an entry in ClinVar:

ClinVar aggregate classification (germline): Uncertain significance (1 of 4 stars; one submission).

Submission:

Labcorp Genetics (formerly Invitae), Labcorp
Classification: Uncertain significance. Last evaluated: 2021-12-22. Review status: criteria provided, single submitter. Criteria: Invitae Variant Classification Sherloc (09022015). Collection method: clinical testing. Allele origin: germline.
Comment: This sequence change replaces glycine, which is neutral and non-polar, with alanine, which is neutral and non-polar, at codon 2709 of the COL7A1 protein (p.Gly2709Ala). This variant is not present in population databases (gnomAD no frequency). This variant has not been reported in the literature in individuals affected with COL7A1-related conditions. Advanced modeling of protein sequence and biophysical properties (such as structural, functional, and spatial information, amino acid conservation, physicochemical variation, residue mobility, and thermodynamic stability) performed at Invitae indicates that this missense variant is not expected to disrupt COL7A1 protein function. In summary, the available evidence is currently insufficient to determine the role of this variant in disease. Therefore, it has been classified as a Variant of Uncertain Significance.

NM_000094.4(COL7A1):c.8126G>C (p.Gly2709Ala)

Gene: COL7A1 (collagen type VII alpha 1 chain; minus strand). Cytogenetic location: 3p21.31.
Variant type: single nucleotide variant.
Coding change: c.8126G>C on transcript NM_000094.4 (MANE Select); coding-DNA position 8126, G replaced by C.
Protein change: p.Gly2709Ala; replaces glycine 2709 with alanine.
Molecular consequence: missense variant.
Genome position (GRCh38, 1-based): chr3:48,567,007, C>G on the plus strand (G>C on the coding strand, the complement: COL7A1 is on the minus strand). VCF-style: chr3-48567007-C-G. GRCh37 (hg19) VCF-style: chr3-48604440-C-G.
Other names: short protein forms G2709A.
Identifiers: ClinVar variation 2051669 (VCV002051669.1), dbSNP rs2530818507, ClinGen allele CA352640207.
Genomic context (GRCh38, chr3:48,567,007, plus strand): 5'-CTGCCAGGTGGCCCTGGGGGACCAGCAGAGCCATCATTTCCACTGGGGCCTGGGAAGCCC[C>G]CAATTCCTGGGGTTCCCTGGGGAGATATAGGACAGAGTCAGTAATCAGAGGCCCCAGAGA-3'
Protein context (NP_000085.1, residues 2699-2719): EKGERGTPGI[Gly2709Ala]GFPGPSGNDG